The following is an entry in ClinVar:

NM_014000.3(VCL):c.1022+172TTTA[3]

Gene: VCL (vinculin; plus strand). Cytogenetic location: 10q22.2.
Variant type: Microsatellite.
Coding change: c.1022+172TTTA[3] on transcript NM_014000.3 (MANE Select); three copies in a row of the 4-base unit TTTA starting at c.1022+172.
Molecular consequence: intron variant.
Genome position: GRCh38 VCF-style: chr10-74083684-CTTTA-C. GRCh37 (hg19) VCF-style: chr10-75843442-CTTTA-C.
Other names: c.1022+172TTTA[3] (NM_003373.4).
Identifiers: ClinVar variation 676783 (VCV000676783.1), dbSNP rs199705227, ClinGen allele CA209697963.
Genomic context (GRCh38, chr10:74,083,684, plus strand): 5'-ACAGAGATATTATAGTCTATTAAATTCTTTTGAGATGGAGGTGAACTTTCCCTTTGCTGA[CTTTA>C]TTTATTTATTTATTATTTTTTGAGACAGAGTCTCACTCTGTTACCCAGACTGGAGTGCGG-3'

ClinVar aggregate classification (germline): Likely benign (1 of 4 stars; one submission).

Submission:

GeneDx
Classification: Likely benign. Last evaluated: 2018-06-14. Review status: criteria provided, single submitter. Criteria: GeneDx Variant Classification (06012015). Collection method: clinical testing. Allele origin: germline. Affected: yes.
Comment: This variant is considered likely benign or benign based on one or more of the following criteria: it is a conservative change, it occurs at a poorly conserved position in the protein, it is predicted to be benign by multiple in silico algorithms, and/or has population frequency not consistent with disease.